The following is an entry in ClinVar:

ClinVar aggregate classification (germline): Uncertain significance. Review status: criteria provided, multiple submitters, no conflicts (2 of 4 stars). 2 submissions from 2 submitters: Uncertain significance (2). Last evaluated 2025-05-28.

Conditions:
Melnick-Needles syndrome (MNS). Also called: MELNICK-NEEDLES OSTEODYSPLASTY; OSTEODYSPLASTY OF MELNICK AND NEEDLES; Melnick-Needles Syndrome (FLNA-MNS). Identifiers: Orphanet 2484, MedGen C0025237, MONDO:0010650, OMIM 309350.
Frontometaphyseal dysplasia (FMD1). Identifiers: Orphanet 1826, MedGen C0265293, MONDO:0015942.
Oto-palato-digital syndrome, type II (OPD2). Also called: FACIOPALATOOSSEOUS SYNDROME; OPD II SYNDROME; Otopalatodigital Syndrome, Type II; Otopalatodigital Syndrome Type 2 (FLNA-OPD2). Identifiers: Orphanet 669, Orphanet 90652, MedGen C1844696, MONDO:0010571, OMIM 304120.
Heterotopia, periventricular, X-linked dominant (PVNH1). Also called: PERIVENTRICULAR NODULAR HETEROTOPIA 1; X-linked periventricular heterotopia; PERIVENTRICULAR NODULAR HETEROTOPIA 4; HETEROTOPIA, PERIVENTRICULAR, 1. Identifiers: Orphanet 2149, Orphanet 82004, MedGen C1848213, MONDO:0010233, OMIM 300049.

Submissions (2):

Labcorp Genetics (formerly Invitae), Labcorp
Classification: Uncertain significance for Oto-palato-digital syndrome, type II; Heterotopia, periventricular, X-linked dominant; Frontometaphyseal dysplasia; Melnick-Needles syndrome. Last evaluated: 2025-05-28. Review status: criteria provided, single submitter. Criteria: Invitae Variant Classification Sherloc (09022015). Collection method: clinical testing. Allele origin: germline.
Comment: This sequence change replaces glycine, which is neutral and non-polar, with alanine, which is neutral and non-polar, at codon 1290 of the FLNA protein (p.Gly1290Ala). This variant is not present in population databases (gnomAD no frequency). This variant has not been reported in the literature in individuals affected with FLNA-related conditions. Invitae Evidence Modeling of protein sequence and biophysical properties (such as structural, functional, and spatial information, amino acid conservation, physicochemical variation, residue mobility, and thermodynamic stability) indicates that this missense variant is not expected to disrupt FLNA protein function with a negative predictive value of 95%. In summary, the available evidence is currently insufficient to determine the role of this variant in disease. Therefore, it has been classified as a Variant of Uncertain Significance.

GeneDx
Classification: Uncertain significance. Last evaluated: 2025-03-26. Review status: criteria provided, single submitter. Criteria: GeneDx Variant Classification Process June 2021. Collection method: clinical testing. Allele origin: germline. Affected: yes.
Comment: Not observed at significant frequency in large population cohorts (gnomAD); In silico analysis supports that this missense variant has a deleterious effect on protein structure/function; Has not been previously published as pathogenic or benign to our knowledge

NM_001110556.2(FLNA):c.3869G>C (p.Gly1290Ala)

Gene: FLNA (filamin A; minus strand). Cytogenetic location: Xq28.
Variant type: single nucleotide variant.
Coding change: c.3869G>C on transcript NM_001110556.2 (MANE Select); coding-DNA position 3869, G replaced by C.
Protein change: p.Gly1290Ala; replaces glycine 1290 with alanine.
Molecular consequence: missense variant.
Genome position (GRCh38, 1-based): chrX:154,359,842, C>G on the plus strand (G>C on the coding strand, the complement: FLNA is on the minus strand). VCF-style: chrX-154359842-C-G. GRCh37 (hg19) VCF-style: chrX-153588210-C-G.
Other names: c.3869G>C, p.Gly1290Ala (NM_001456.4); short protein forms G1290A.
Identifiers: ClinVar variation 4088069 (VCV004088069.2).